The following is an entry in ClinVar:

NM_001903.5(CTNNA1):c.476A>T (p.Asp159Val)

Gene: CTNNA1 (catenin alpha 1; plus strand). Cytogenetic location: 5q31.2.
Variant type: single nucleotide variant.
Coding change: c.476A>T on transcript NM_001903.5 (MANE Select); coding-DNA position 476, A replaced by T.
Protein change: p.Asp159Val; replaces aspartic acid 159 with valine.
Molecular consequence: missense variant.
Genome position (GRCh38, 1-based): chr5:138,812,190, A>T. VCF-style: chr5-138812190-A-T. GRCh37 (hg19) VCF-style: chr5-138147879-A-T.
Other names: c.476A>T, p.Asp159Val (NM_001290307.3, NM_001323982.2, NM_001323983.1 and 3 more transcripts); c.167A>T, p.Asp56Val (NM_001290309.3); c.107A>T, p.Asp36Val (NM_001290310.3); short protein forms D159V, D56V, D36V.
Identifiers: ClinVar variation 848066 (VCV000848066.9), dbSNP rs533573408, ClinGen allele CA361124881.

ClinVar aggregate classification (germline): Uncertain significance (1 of 4 stars; one submission).

Submission:

Labcorp Genetics (formerly Invitae), Labcorp
Classification: Uncertain significance. Last evaluated: 2019-12-11. Review status: criteria provided, single submitter. Criteria: Invitae Variant Classification Sherloc (09022015). Collection method: clinical testing. Allele origin: germline.
Comment: This sequence change replaces aspartic acid with valine at codon 159 of the CTNNA1 protein (p.Asp159Val). The aspartic acid residue is moderately conserved and there is a large physicochemical difference between aspartic acid and valine. In summary, the available evidence is currently insufficient to determine the role of this variant in disease. Therefore, it has been classified as a Variant of Uncertain Significance. Algorithms developed to predict the effect of missense changes on protein structure and function are either unavailable or do not agree on the potential impact of this missense change (SIFT: "Deleterious"; PolyPhen-2: "Possibly Damaging"; Align-GVGD: "Class C0"). This variant has not been reported in the literature in individuals with CTNNA1-related conditions. This variant is not present in population databases (ExAC no frequency).